The following is an entry in ClinVar:

ClinVar aggregate classification (germline): Uncertain significance (1 of 4 stars; one submission).

Conditions:
Focal segmental glomerulosclerosis 7 (FSGS7). Identifiers: Orphanet 656, MedGen C4014925, MONDO:0014451, OMIM 616002.
Renal coloboma syndrome (PAPRS). Also called: PAPILLORENAL SYNDROME; COLOBOMA OF OPTIC NERVE WITH RENAL DISEASE; OPTIC COLOBOMA, VESICOURETERAL REFLUX, AND RENAL ANOMALIES; OPTIC NERVE COLOBOMA WITH RENAL DISEASE; RENAL-COLOBOMA SYNDROME WITH MACULAR ABNORMALITIES; PAPILLORENAL SYNDROME WITH MILD OCULAR ABNORMALITIES. Identifiers: Orphanet 1475, MedGen C1852759, MONDO:0007352, OMIM 120330.

gnomAD v4.1: 1 of 1,613,524 alleles (0.000062%); highest among the groups gnomAD compares: Non-Finnish European, 0.000085%; no homozygotes.

Submission:

Labcorp Genetics (formerly Invitae), Labcorp
Classification: Uncertain significance for Renal coloboma syndrome; Focal segmental glomerulosclerosis 7. Last evaluated: 2025-09-17. Review status: criteria provided, single submitter. Criteria: Invitae Variant Classification Sherloc (09022015). Collection method: clinical testing. Allele origin: germline.
Comment: This sequence change replaces proline, which is neutral and non-polar, with serine, which is neutral and polar, at codon 271 of the PAX2 protein (p.Pro271Ser). This variant is present in population databases (no rsID available, gnomAD 0.0009%). This variant has not been reported in the literature in individuals affected with PAX2-related conditions. Experimental studies and prediction algorithms are not available or were not evaluated, and the functional significance of this variant is currently unknown. In summary, the available evidence is currently insufficient to determine the role of this variant in disease. Therefore, it has been classified as a Variant of Uncertain Significance.

NM_000278.5(PAX2):c.811C>T (p.Pro271Ser)

Gene: PAX2 (paired box 2; plus strand). Cytogenetic location: 10q24.31.
Variant type: single nucleotide variant.
Coding change: c.811C>T on transcript NM_000278.5 (MANE Select); coding-DNA position 811, C replaced by T.
Protein change: p.Pro271Ser; replaces proline 271 with serine.
Molecular consequence: missense variant.
Genome position (GRCh38, 1-based): chr10:100,809,128, C>T. VCF-style: chr10-100809128-C-T. GRCh37 (hg19) VCF-style: chr10-102568885-C-T.
Other names: c.904C>T, p.Pro302Ser (NM_001304569.2); c.880C>T, p.Pro294Ser (NM_003987.5, NM_003990.5); c.811C>T, p.Pro271Ser (NM_003988.5, NM_003989.5); short protein forms P294S, P302S, P271S.
Identifiers: ClinVar variation 4792219 (VCV004792219.1).